The following is an entry in ClinVar:

ClinVar aggregate classification (germline): Uncertain significance (1 of 4 stars; one submission).

Conditions:
Cardiovascular phenotype. Identifiers: MedGen CN230736.

Submission:

Ambry Genetics
Classification: Uncertain significance for Cardiovascular phenotype. Last evaluated: 2019-10-14. Review status: criteria provided, single submitter. Criteria: Ambry Variant Classification Scheme 2023. Collection method: clinical testing. Allele origin: germline.
Comment: The p.E320D variant (also known as c.960G>C), located in coding exon 8 of the VCL gene, results from a G to C substitution at nucleotide position 960. The glutamic acid at codon 320 is replaced by aspartic acid, an amino acid with highly similar properties. This amino acid position is well conserved in available vertebrate species; however, aspartic acid is the reference amino acid in other vertebrate species. In addition, this alteration is predicted to be tolerated by in silico analysis. Since supporting evidence is limited at this time, the clinical significance of this alteration remains unclear.

NM_014000.3(VCL):c.960G>C (p.Glu320Asp)

Gene: VCL (vinculin; plus strand). Cytogenetic location: 10q22.2.
Variant type: single nucleotide variant.
Coding change: c.960G>C on transcript NM_014000.3 (MANE Select); coding-DNA position 960, G replaced by C.
Protein change: p.Glu320Asp; replaces glutamic acid 320 with aspartic acid.
Molecular consequence: missense variant.
Genome position (GRCh38, 1-based): chr10:74,083,451, G>C. VCF-style: chr10-74083451-G-C. GRCh37 (hg19) VCF-style: chr10-75843209-G-C.
Other names: c.960G>C, p.Glu320Asp (NM_003373.4); short protein forms E320D.
Identifiers: ClinVar variation 1767567 (VCV001767567.2), dbSNP rs2549219047, ClinGen allele CA377270499.
Genomic context (GRCh38, chr10:74,083,451, plus strand): 5'-ACAGATCTTAGATGAAGCTGGAAAAGTTGGTGAACTCTGTGCAGGCAAAGAACGCAGGGA[G>C]ATTCTGGGAACTTGCAAAATGCTAGGGCAGATGACTGATCAAGTGGCTGACCTCCGTGCC-3'
Protein context (NP_054706.1, residues 310-330): GELCAGKERR[Glu320Asp]ILGTCKMLGQ